The following is an entry in ClinVar:

ClinVar aggregate classification (germline): Uncertain significance (1 of 4 stars; one submission).

Conditions:
Hereditary spastic paraplegia 48. Also called: SPASTIC PARAPLEGIA 48, AUTOSOMAL RECESSIVE; Spastic paraplegia 48. Identifiers: Orphanet 306511, MedGen C3150901, MONDO:0013342, OMIM 613647.

gnomAD v4.1: 61 of 1,526,350 alleles (0.004%); highest among the groups gnomAD compares: East Asian, 0.12%; no homozygotes.

Submission:

Labcorp Genetics (formerly Invitae), Labcorp
Classification: Uncertain significance for Hereditary spastic paraplegia 48. Last evaluated: 2024-12-07. Review status: criteria provided, single submitter. Criteria: Invitae Variant Classification Sherloc (09022015). Collection method: clinical testing. Allele origin: germline.
Comment: This sequence change falls in intron 11 of the AP5Z1 gene. It does not directly change the encoded amino acid sequence of the AP5Z1 protein. It affects a nucleotide within the consensus splice site. This variant is present in population databases (rs762453142, gnomAD 0.2%). This variant has not been reported in the literature in individuals affected with AP5Z1-related conditions. Variants that disrupt the consensus splice site are a relatively common cause of aberrant splicing (PMID: 17576681, 9536098). Algorithms developed to predict the effect of sequence changes on RNA splicing suggest that this variant is not likely to affect RNA splicing. In summary, the available evidence is currently insufficient to determine the role of this variant in disease. Therefore, it has been classified as a Variant of Uncertain Significance.

Literature cited by the submitters: PubMed 17576681; PubMed 9536098.

NM_014855.3(AP5Z1):c.1454+6C>T

Gene: AP5Z1 (adaptor related protein complex 5 subunit zeta 1; plus strand). Cytogenetic location: 7p22.1.
Variant type: single nucleotide variant.
Coding change: c.1454+6C>T on transcript NM_014855.3 (MANE Select); 6 bases into the intron after coding-DNA position 1454, C replaced by T.
Molecular consequence: intron variant.
Genome position (GRCh38, 1-based): chr7:4,787,782, C>T. VCF-style: chr7-4787782-C-T. GRCh37 (hg19) VCF-style: chr7-4827413-C-T.
Other names: c.986+6C>T (NM_001364858.1).
Identifiers: ClinVar variation 3711720 (VCV003711720.1).